The following is an entry in ClinVar:

ClinVar aggregate classification (germline): Likely benign (1 of 4 stars; one submission).

Allele frequency attached by ClinVar (database versions not stated): gnomAD exomes 0.00051; gnomAD 0.00135; 1000 Genomes Project 0.00419.
gnomAD v4.1: 907 of 1,457,664 alleles (0.062%); highest among the groups gnomAD compares: South Asian, 0.38%; 98 homozygotes.

Submission:

CeGaT Center for Human Genetics Tuebingen
Classification: Likely benign. Last evaluated: 2026-07-01. Review status: criteria provided, single submitter. Criteria: CeGaT Center For Human Genetics Tuebingen Variant Classification Criteria Version 2. Collection method: clinical testing. Allele origin: germline. Affected: yes. Observed: 4 variant alleles.
Comment: AHNAK2: BP4, BP7, BS2

NM_138420.4(AHNAK2):c.4503G>C (p.Pro1501=)

Gene: AHNAK2 (AHNAK nucleoprotein 2; minus strand). Cytogenetic location: 14q32.33.
Variant type: single nucleotide variant.
Coding change: c.4503G>C on transcript NM_138420.4 (MANE Select); coding-DNA position 4503, G replaced by C.
Protein change: p.Pro1501=; no amino-acid change (proline 1501 retained).
Molecular consequence: synonymous variant.
Genome position (GRCh38, 1-based): chr14:104,950,948, C>G on the plus strand (G>C on the coding strand, the complement: AHNAK2 is on the minus strand). VCF-style: chr14-104950948-C-G. GRCh37 (hg19) VCF-style: chr14-105417285-C-G.
Other names: c.4203G>C, p.Pro1401= (NM_001350929.2).
Identifiers: ClinVar variation 2644829 (VCV002644829.24), dbSNP rs76453246, ClinGen allele CA7382432.